The following is an entry in ClinVar:

NM_001366521.1(ATP2B1):c.2992A>C (p.Asn998His)

Gene: ATP2B1 (ATPase plasma membrane Ca2+ transporting 1; minus strand). Cytogenetic location: 12q21.33.
Variant type: single nucleotide variant.
Coding change: c.2992A>C on transcript NM_001366521.1 (MANE Select); coding-DNA position 2992, A replaced by C.
Protein change: p.Asn998His; replaces asparagine 998 with histidine.
Molecular consequence: missense variant. On other transcripts: non-coding transcript variant (3).
Genome position (GRCh38, 1-based): chr12:89,603,111, T>G on the plus strand (A>C on the coding strand, the complement: ATP2B1 is on the minus strand). VCF-style: chr12-89603111-T-G. GRCh37 (hg19) VCF-style: chr12-89996888-T-G.
Other names: c.2992A>C, p.Asn998His (NM_001001323.2, NM_001366520.1, NM_001366522.1 and 12 more transcripts); c.2794A>C, p.Asn932His (NM_001366530.1, NM_001413053.1); c.2431A>C, p.Asn811His (NM_001366531.1, NM_001366532.1, NM_001413058.1 and 2 more transcripts); c.2953A>C, p.Asn985His (NM_001413048.1); c.2851A>C, p.Asn951His (NM_001413051.1, NM_001413052.1, NM_001413055.1); c.2749A>C, p.Asn917His (NM_001413054.1); c.2737A>C, p.Asn913His (NM_001413056.1); c.2539A>C, p.Asn847His (NM_001413057.1); short protein forms N811H, N847H, N913H, N917H, N932H, N951H, N985H, N998H.
Identifiers: ClinVar variation 3373430 (VCV003373430.1).
Genomic context (GRCh38, chr12:89,603,111, plus strand): 5'-CAAAAGTGCCTAAAACAATTGTGCAGAAGATGGCATTGTTAAAGATTCCTTCGAATACAT[T>G]TCTTTCACCATGAATTTTCCGGGCATTTATTTCGTTGAAAAGTTGCATCAGCACAAAGGT-3'
Protein context (NP_001353450.1, residues 988-1008): INARKIHGER[Asn998His]VFEGIFNNAI

ClinVar aggregate classification (germline): Uncertain significance (1 of 4 stars; one submission).

Submission:

GeneDx
Classification: Uncertain significance. Last evaluated: 2024-02-27. Review status: criteria provided, single submitter. Criteria: GeneDx Variant Classification Process June 2021. Collection method: clinical testing. Allele origin: germline. Affected: yes.
Comment: Not observed at significant frequency in large population cohorts (gnomAD); In silico analysis supports that this missense variant has a deleterious effect on protein structure/function; Has not been previously published as pathogenic or benign to our knowledge